The following is an entry in ClinVar:

ClinVar aggregate classification (germline): Conflicting classifications of pathogenicity. Review status: criteria provided, conflicting classifications (1 of 4 stars). 3 submissions from 3 submitters: Uncertain significance (2); Likely benign (1). Last evaluated 2024-08-14.

Conditions:
Cardiovascular phenotype. Identifiers: MedGen CN230736.
Alstrom syndrome (ALMS). Identifiers: Orphanet 64, MedGen C0268425, MONDO:0008763, OMIM 203800.

Allele frequency attached by ClinVar (database versions not stated): ExAC 0.00003; gnomAD 0.00003; TOPMed 0.00003; gnomAD exomes 0.00010.
gnomAD v4.1: 148 of 1,613,934 alleles (0.0092%); highest among the groups gnomAD compares: Non-Finnish European, 0.012%; no homozygotes.

Submissions (3):

GeneDx
Classification: Uncertain significance. Last evaluated: 2024-08-14. Review status: criteria provided, single submitter. Criteria: GeneDx Variant Classification Process June 2021. Collection method: clinical testing. Allele origin: germline. Affected: yes.
Comment: Not observed at significant frequency in large population cohorts (gnomAD); In silico analysis supports that this missense variant has a deleterious effect on protein structure/function; Has not been previously published as pathogenic or benign to our knowledge

Ambry Genetics
Classification: Likely benign for Cardiovascular phenotype. Last evaluated: 2024-04-22. Review status: criteria provided, single submitter. Criteria: Ambry Variant Classification Scheme 2023. Collection method: clinical testing. Allele origin: germline.

Labcorp Genetics (formerly Invitae), Labcorp
Classification: Uncertain significance for Alstrom syndrome. Last evaluated: 2022-08-20. Review status: criteria provided, single submitter. Criteria: Invitae Variant Classification Sherloc (09022015). Collection method: clinical testing. Allele origin: germline.
Comment: This sequence change replaces lysine, which is basic and polar, with threonine, which is neutral and polar, at codon 3196 of the ALMS1 protein (p.Lys3196Thr). This variant is present in population databases (rs748234485, gnomAD 0.01%). This variant has not been reported in the literature in individuals affected with ALMS1-related conditions. Experimental studies and prediction algorithms are not available or were not evaluated, and the functional significance of this variant is currently unknown. In summary, the available evidence is currently insufficient to determine the role of this variant in disease. Therefore, it has been classified as a Variant of Uncertain Significance.

NM_001378454.1(ALMS1):c.9584A>C (p.Lys3195Thr)

Gene: ALMS1 (ALMS1 centrosome and basal body associated protein; plus strand). Cytogenetic location: 2p13.1.
Variant type: single nucleotide variant.
Coding change: c.9584A>C on transcript NM_001378454.1 (MANE Select); coding-DNA position 9584, A replaced by C.
Protein change: p.Lys3195Thr; replaces lysine 3195 with threonine.
Molecular consequence: missense variant.
Genome position (GRCh38, 1-based): chr2:73,519,819, A>C. VCF-style: chr2-73519819-A-C. GRCh37 (hg19) VCF-style: chr2-73746946-A-C.
Other names: c.9587A>C, p.Lys3196Thr (NM_015120.4); short protein forms K3195T, K3196T.
Identifiers: ClinVar variation 2064045 (VCV002064045.3), dbSNP rs748234485, ClinGen allele CA1714704.